The following is an entry in ClinVar:

ClinVar aggregate classification (germline): Uncertain significance. Review status: criteria provided, multiple submitters, no conflicts (2 of 4 stars). 2 submissions from 2 submitters: Uncertain significance (2). Last evaluated 2025-02-01.

Allele frequency attached by ClinVar (database versions not stated): TOPMed 0.00003; ESP Exome Variant Server 0.00008.

Submissions (2):

Ambry Genetics
Classification: Uncertain significance. Last evaluated: 2025-02-01. Review status: criteria provided, single submitter. Criteria: Ambry Variant Classification Scheme 2023. Collection method: clinical testing. Allele origin: germline.

Labcorp Genetics (formerly Invitae), Labcorp
Classification: Uncertain significance. Last evaluated: 2022-08-09. Review status: criteria provided, single submitter. Criteria: Invitae Variant Classification Sherloc (09022015). Collection method: clinical testing. Allele origin: germline.
Comment: In summary, the available evidence is currently insufficient to determine the role of this variant in disease. Therefore, it has been classified as a Variant of Uncertain Significance. Algorithms developed to predict the effect of missense changes on protein structure and function are either unavailable or do not agree on the potential impact of this missense change (SIFT: "Tolerated"; PolyPhen-2: "Possibly Damaging"; Align-GVGD: "Class C0"). This variant has not been reported in the literature in individuals affected with SLC36A2-related conditions. This variant is present in population databases (rs144559356, gnomAD 0.01%). This sequence change replaces serine, which is neutral and polar, with leucine, which is neutral and non-polar, at codon 201 of the SLC36A2 protein (p.Ser201Leu).

NM_181776.3(SLC36A2):c.602C>T (p.Ser201Leu)

Gene: SLC36A2 (solute carrier family 36 member 2; minus strand). Cytogenetic location: 5q33.1.
Variant type: single nucleotide variant.
Coding change: c.602C>T on transcript NM_181776.3 (MANE Select); coding-DNA position 602, C replaced by T.
Protein change: p.Ser201Leu; replaces serine 201 with leucine.
Molecular consequence: missense variant.
Genome position (GRCh38, 1-based): chr5:151,335,471, G>A on the plus strand (C>T on the coding strand, the complement: SLC36A2 is on the minus strand). VCF-style: chr5-151335471-G-A. GRCh37 (hg19) VCF-style: chr5-150715032-G-A.
Other names: c.602C>T (NM_181776.2); short protein forms S201L.
Identifiers: ClinVar variation 1973208 (VCV001973208.6), dbSNP rs144559356, ClinGen allele CA3518792.